The following is an entry in ClinVar:

ClinVar aggregate classification (germline): Uncertain significance. Review status: criteria provided, multiple submitters, no conflicts (2 of 4 stars). 3 submissions from 3 submitters: Uncertain significance (3). Last evaluated 2024-08-20.

Conditions:
Arrhythmogenic right ventricular dysplasia 5. Also called: Arrhythmogenic Right Ventricular Dysplasia/Cardiomyopathy 5; ARRHYTHMOGENIC RIGHT VENTRICULAR DYSPLASIA, FAMILIAL, 5. Identifiers: MedGen C1858379, MONDO:0011459, OMIM 604400.
Cardiomyopathy (CMYO). Also called: Cardiomyopathies. Identifiers: Orphanet 167848, MedGen C0878544, MONDO:0004994, HP:0001638. Inheritance: Various modes of inheritance.

Allele frequency attached by ClinVar (database versions not stated): gnomAD exomes below 0.00001.
gnomAD v4.1: 1 of 1,613,850 alleles (0.000062%); highest among the groups gnomAD compares: Admixed American, 0.0017%; no homozygotes.

Submissions (3):

Labcorp Genetics (formerly Invitae), Labcorp
Classification: Uncertain significance for Arrhythmogenic right ventricular dysplasia 5. Last evaluated: 2024-08-20. Review status: criteria provided, single submitter. Criteria: Invitae Variant Classification Sherloc (09022015). Collection method: clinical testing. Allele origin: germline.
Comment: This sequence change replaces histidine, which is basic and polar, with aspartic acid, which is acidic and polar, at codon 167 of the TMEM43 protein (p.His167Asp). This variant is not present in population databases (gnomAD no frequency). This variant has not been reported in the literature in individuals affected with TMEM43-related conditions. ClinVar contains an entry for this variant (Variation ID: 466419). Invitae Evidence Modeling of protein sequence and biophysical properties (such as structural, functional, and spatial information, amino acid conservation, physicochemical variation, residue mobility, and thermodynamic stability) indicates that this missense variant is expected to disrupt TMEM43 protein function with a positive predictive value of 80%. In summary, the available evidence is currently insufficient to determine the role of this variant in disease. Therefore, it has been classified as a Variant of Uncertain Significance.

All of Us Research Program, National Institutes of Health
Classification: Uncertain significance for Arrhythmogenic right ventricular dysplasia 5. Last evaluated: 2024-07-10. Review status: criteria provided, single submitter. Criteria: ACMG Guidelines, 2015. Collection method: clinical testing. Allele origin: germline. Inheritance: Autosomal dominant inheritance. Observed: 2 variant alleles, 2 heterozygotes.
Comment: This missense variant replaces histidine with aspartic acid at codon 167 of the TMEM43 protein. Computational prediction is inconclusive regarding the impact of this variant on protein structure and function (internally defined REVEL score threshold 0.5 < inconclusive < 0.7, PMID: 27666373). To our knowledge, functional studies have not been reported for this variant. This variant has not been reported in individuals affected with cardiovascular disorders in the literature. This variant has not been identified in the general population by the Genome Aggregation Database (gnomAD). The available evidence is insufficient to determine the role of this variant in disease conclusively. Therefore, this variant is classified as a Variant of Uncertain Significance.

This study involves interpretation of variants in research participants for the purpose of population health screening. Participant phenotype was not available at the time of variant classification. Additional details can be found in publication PMID: 35346344, PMCID: PMC8962531

Color Diagnostics, LLC DBA Color Health
Classification: Uncertain significance for Cardiomyopathy. Last evaluated: 2024-03-06. Review status: criteria provided, single submitter. Criteria: ACMG Guidelines, 2015. Collection method: clinical testing. Allele origin: germline.
Comment: This missense variant replaces histidine with aspartic acid at codon 167 of the TMEM43 protein. Computational prediction is inconclusive regarding the impact of this variant on protein structure and function (internally defined REVEL score threshold 0.5 < inconclusive < 0.7, PMID: 27666373). To our knowledge, functional studies have not been reported for this variant. This variant has not been reported in individuals affected with cardiovascular disorders in the literature. This variant has not been identified in the general population by the Genome Aggregation Database (gnomAD). The available evidence is insufficient to determine the role of this variant in disease conclusively. Therefore, this variant is classified as a Variant of Uncertain Significance.

NM_024334.3(TMEM43):c.499C>G (p.His167Asp)

Gene: TMEM43 (transmembrane protein 43; plus strand). Cytogenetic location: 3p25.1.
Variant type: single nucleotide variant.
Coding change: c.499C>G on transcript NM_024334.3 (MANE Select); coding-DNA position 499, C replaced by G.
Protein change: p.His167Asp; replaces histidine 167 with aspartic acid.
Molecular consequence: missense variant.
Genome position (GRCh38, 1-based): chr3:14,132,922, C>G. VCF-style: chr3-14132922-C-G. GRCh37 (hg19) VCF-style: chr3-14174422-C-G.
Other names: short protein forms H167D.
Identifiers: ClinVar variation 466419 (VCV000466419.12), dbSNP rs1553603052, ClinGen allele CA351535223.